The following is an entry in ClinVar:

NM_013296.5(GPSM2):c.529G>A (p.Ala177Thr)

Gene: GPSM2 (G protein signaling modulator 2; plus strand). Cytogenetic location: 1p13.3.
Variant type: single nucleotide variant.
Coding change: c.529G>A on transcript NM_013296.5 (MANE Select); coding-DNA position 529, G replaced by A.
Protein change: p.Ala177Thr; replaces alanine 177 with threonine.
Molecular consequence: missense variant.
Genome position (GRCh38, 1-based): chr1:108,898,073, G>A. VCF-style: chr1-108898073-G-A. GRCh37 (hg19) VCF-style: chr1-109440695-G-A.
Other names: c.529G>A, p.Ala177Thr (NM_001321038.2, NM_001321039.3); short protein forms A177T.
Identifiers: ClinVar variation 45569 (VCV000045569.8), dbSNP rs397517232, ClinGen allele CA136670.

ClinVar aggregate classification (germline): Uncertain significance. Review status: criteria provided, multiple submitters, no conflicts (2 of 4 stars). 2 submissions from 2 submitters: Uncertain significance (2). Last evaluated 2018-01-12.

Conditions:
Chudley-McCullough syndrome (CMCS). Also called: DEAFNESS, SENSORINEURAL, WITH PARTIAL AGENESIS OF THE CORPUS CALLOSUM AND ARACHNOID CYSTS; Deafness, autosomal recessive 82. Identifiers: Orphanet 314597, MedGen C1858695, MONDO:0011411, OMIM 604213.

Allele frequency attached by ClinVar (database versions not stated): TOPMed 0.00002; gnomAD 0.00003.

Submissions (2):

Illumina Laboratory Services, Illumina
Classification: Uncertain significance for Chudley-McCullough syndrome. Last evaluated: 2018-01-12. Review status: criteria provided, single submitter. Criteria: ICSL Variant Classification Criteria 13 December 2019. Collection method: clinical testing. Allele origin: germline.

Laboratory for Molecular Medicine, Mass General Brigham Personalized Medicine
Classification: Uncertain significance. Last evaluated: 2013-02-02. Review status: criteria provided, single submitter. Criteria: LMM Criteria. Collection method: clinical testing. Allele origin: germline. Observed: 1 variant allele.
Comment: The Ala177Thr variant in GPSM2 has not been reported in the literature nor previ ously identified by our laboratory. Computational analyses (biochemical amino ac id properties, conservation, AlignGVGD, PolyPhen2, and SIFT) do not provide stro ng support for or against an impact to the protein. Additional data is needed to determine the clinical significance of this variant.